The following is an entry in ClinVar:

ClinVar aggregate classification (germline): Uncertain significance. Review status: criteria provided, multiple submitters, no conflicts (2 of 4 stars). 2 submissions from 2 submitters: Uncertain significance (2). Last evaluated 2024-06-28.

Conditions:
Inborn genetic diseases. Identifiers: MedGen C0950123, MeSH D030342.

Allele frequency attached by ClinVar (database versions not stated): gnomAD 0.00003; gnomAD exomes 0.00003; TOPMed 0.00005.
gnomAD v4.1: 56 of 1,613,904 alleles (0.0035%); highest among the groups gnomAD compares: Non-Finnish European, 0.0044%; no homozygotes.

Submissions (2):

Labcorp Genetics (formerly Invitae), Labcorp
Classification: Uncertain significance. Last evaluated: 2024-06-28. Review status: criteria provided, single submitter. Criteria: Invitae Variant Classification Sherloc (09022015). Collection method: clinical testing. Allele origin: germline.
Comment: This sequence change replaces arginine, which is basic and polar, with glutamine, which is neutral and polar, at codon 3232 of the KMT2A protein (p.Arg3232Gln). This variant is present in population databases (no rsID available, gnomAD 0.003%). This variant has not been reported in the literature in individuals affected with KMT2A-related conditions. ClinVar contains an entry for this variant (Variation ID: 2183538). Advanced modeling of protein sequence and biophysical properties (such as structural, functional, and spatial information, amino acid conservation, physicochemical variation, residue mobility, and thermodynamic stability) performed at Invitae indicates that this missense variant is not expected to disrupt KMT2A protein function with a negative predictive value of 95%. In summary, the available evidence is currently insufficient to determine the role of this variant in disease. Therefore, it has been classified as a Variant of Uncertain Significance.

Ambry Genetics
Classification: Uncertain significance for Inborn genetic diseases. Last evaluated: 2022-06-09. Review status: criteria provided, single submitter. Criteria: Ambry Variant Classification Scheme 2023. Collection method: clinical testing. Allele origin: germline.

NM_001197104.2(KMT2A):c.9695G>A (p.Arg3232Gln)

Gene: KMT2A (lysine methyltransferase 2A; plus strand). Cytogenetic location: 11q23.3.
Variant type: single nucleotide variant.
Coding change: c.9695G>A on transcript NM_001197104.2 (MANE Select); coding-DNA position 9695, G replaced by A.
Protein change: p.Arg3232Gln; replaces arginine 3232 with glutamine.
Molecular consequence: missense variant.
Genome position (GRCh38, 1-based): chr11:118,505,587, G>A. VCF-style: chr11-118505587-G-A. GRCh37 (hg19) VCF-style: chr11-118376302-G-A.
Other names: c.9785G>A, p.Arg3262Gln (NM_001412597.1); c.9686G>A, p.Arg3229Gln (NM_005933.4); short protein forms R3229Q, R3232Q, R3262Q.
Identifiers: ClinVar variation 2183538 (VCV002183538.3), dbSNP rs1052748793, ClinGen allele CA229529689.
Genomic context (GRCh38, chr11:118,505,587, plus strand): 5'-CCACAGTAGCCACTCCATCCTCTGGACTCAAGAAAAGACCCATATCTCGTCTACAGACCC[G>A]AAAGAATAAAAAACTTGCTCCCTCTAGTACCCCTTCAAACATTGCCCCTTCTGATGTGGT-3'
Protein context (NP_001184033.1, residues 3222-3242): KKRPISRLQT[Arg3232Gln]KNKKLAPSST